The following is an entry in ClinVar:

NM_007373.4(SHOC2):c.1225T>G (p.Leu409Val)

Gene: SHOC2 (SHOC2 leucine rich repeat scaffold protein; plus strand). Cytogenetic location: 10q25.2.
Variant type: single nucleotide variant.
Coding change: c.1225T>G on transcript NM_007373.4 (MANE Select); coding-DNA position 1225, T replaced by G.
Protein change: p.Leu409Val; replaces leucine 409 with valine.
Molecular consequence: missense variant. On other transcripts: non-coding transcript variant (1).
Genome position (GRCh38, 1-based): chr10:111,007,594, T>G. VCF-style: chr10-111007594-T-G. GRCh37 (hg19) VCF-style: chr10-112767352-T-G.
Other names: c.1087T>G, p.Leu363Val (NM_001269039.3); c.1225T>G, p.Leu409Val (NM_001324336.2, NM_001324337.2); short protein forms L409V, L363V.
Identifiers: ClinVar variation 3441511 (VCV003441511.1).
Genomic context (GRCh38, chr10:111,007,594, plus strand): 5'-AATCAGTTAACATCACTTCCCTTGGATTTTGGAACTTGGACCAGTATGGTAGAATTGAAT[T>G]TAGCCACTAATCAGCTCACAAAGATCCCTGAGGATGTGTCTGGTCTCGTTTCTCTTGAGG-3'
Protein context (NP_031399.2, residues 399-419): GTWTSMVELN[Leu409Val]ATNQLTKIPE

ClinVar aggregate classification (germline): Uncertain significance (1 of 4 stars; one submission).

Conditions:
Cardiovascular phenotype. Identifiers: MedGen CN230736.

gnomAD v4.1: 2 of 1,613,814 alleles (0.00012%); highest among the groups gnomAD compares: Non-Finnish European, 0.00017%; no homozygotes.

Submission:

Ambry Genetics
Classification: Uncertain significance for Cardiovascular phenotype. Last evaluated: 2024-10-14. Review status: criteria provided, single submitter. Criteria: Ambry Variant Classification Scheme 2023. Collection method: clinical testing. Allele origin: germline.
Comment: The p.L409V variant (also known as c.1225T>G), located in coding exon 5 of the SHOC2 gene, results from a T to G substitution at nucleotide position 1225. The leucine at codon 409 is replaced by valine, an amino acid with highly similar properties. This amino acid position is conserved. In addition, this alteration is predicted to be deleterious by in silico analysis. Based on the available evidence, the clinical significance of this variant remains unclear.